The following is an entry in ClinVar:

ClinVar aggregate classification (germline): Conflicting classifications of pathogenicity. Review status: criteria provided, conflicting classifications (1 of 4 stars). 2 submissions from 2 submitters: Uncertain significance (1); Likely benign (1). Last evaluated 2025-08-03.

Conditions:
Autosomal recessive distal spinal muscular atrophy 1. Also called: HMN VI; NEURONOPATHY, DISTAL HEREDITARY MOTOR, HARDING TYPE VI; NEUROPATHY, DISTAL HEREDITARY MOTOR, AUTOSOMAL RECESSIVE 1; SEVERE INFANTILE AXONAL NEUROPATHY WITH RESPIRATORY FAILURE; SPINAL MUSCULAR ATROPHY, DIAPHRAGMATIC; Spinal muscular atrophy with respiratory distress 1. Identifiers: Orphanet 98920, MedGen C1858517, MONDO:0011436, OMIM 604320.
Charcot-Marie-Tooth disease axonal type 2S. Also called: CHARCOT-MARIE-TOOTH DISEASE, AXONAL, AUTOSOMAL RECESSIVE, TYPE 2S; CHARCOT-MARIE-TOOTH NEUROPATHY, TYPE 2S. Identifiers: Orphanet 443073, MedGen C4015349, MONDO:0014511, OMIM 616155.
Inborn genetic diseases. Identifiers: MedGen C0950123, MeSH D030342.

Allele frequency attached by ClinVar (database versions not stated): gnomAD 0.00002; gnomAD exomes 0.00011 and 0.00017; ExAC 0.00018.
gnomAD v4.1: 166 of 1,613,128 alleles (0.01%); highest among the groups gnomAD compares: South Asian, 0.17%; 1 homozygote.

Submissions (2):

Labcorp Genetics (formerly Invitae), Labcorp
Classification: Likely benign for Autosomal recessive distal spinal muscular atrophy 1; Charcot-Marie-Tooth disease axonal type 2S. Last evaluated: 2025-08-03. Review status: criteria provided, single submitter. Criteria: Invitae Variant Classification Sherloc (09022015). Collection method: clinical testing. Allele origin: germline.

Ambry Genetics
Classification: Uncertain significance for Inborn genetic diseases. Last evaluated: 2021-11-09. Review status: criteria provided, single submitter. Criteria: Ambry Variant Classification Scheme 2023. Collection method: clinical testing. Allele origin: germline.
Comment: The p.N318D variant (also known as c.952A>G), located in coding exon 7 of the IGHMBP2 gene, results from an A to G substitution at nucleotide position 952. The asparagine at codon 318 is replaced by aspartic acid, an amino acid with highly similar properties. This amino acid position is not well conserved in available vertebrate species, and aspartic acid is the reference amino acid in other vertebrate species. In addition, this alteration is predicted to be tolerated by in silico analysis. Since supporting evidence is limited at this time, the clinical significance of this alteration remains unclear.

NM_002180.3(IGHMBP2):c.952A>G (p.Asn318Asp)

Gene: IGHMBP2 (immunoglobulin mu DNA binding protein 2; plus strand). Cytogenetic location: 11q13.3.
Variant type: single nucleotide variant.
Coding change: c.952A>G on transcript NM_002180.3 (MANE Select); coding-DNA position 952, A replaced by G.
Protein change: p.Asn318Asp; replaces asparagine 318 with aspartic acid.
Molecular consequence: missense variant.
Genome position (GRCh38, 1-based): chr11:68,917,775, A>G. VCF-style: chr11-68917775-A-G. GRCh37 (hg19) VCF-style: chr11-68685243-A-G.
Other names: short protein forms N318D.
Identifiers: ClinVar variation 1546291 (VCV001546291.10), dbSNP rs768231851, ClinGen allele CA6153461.